The following is an entry in ClinVar:

ClinVar aggregate classification (germline): Pathogenic (1 of 4 stars; one submission).

Conditions:
Kabuki syndrome. Also called: Kabuki make-up syndrome; NIIKAWA-KUROKI SYNDROME. Identifiers: Orphanet 2322, MedGen C0796004, MONDO:0016512.

Submission:

Labcorp Genetics (formerly Invitae), Labcorp
Classification: Pathogenic for Kabuki syndrome. Last evaluated: 2019-10-28. Review status: criteria provided, single submitter. Criteria: Invitae Variant Classification Sherloc (09022015). Collection method: clinical testing. Allele origin: germline.
Comment: For these reasons, this variant has been classified as Pathogenic. Loss-of-function variants in KMT2D are known to be pathogenic (PMID: 22126750). This variant has not been reported in the literature in individuals with KMT2D-related conditions. This variant is not present in population databases (ExAC no frequency). This sequence change creates a premature translational stop signal (p.Gln2796*) in the KMT2D gene. It is expected to result in an absent or disrupted protein product.

Literature cited by the submitters: PubMed 22126750.

NM_003482.4(KMT2D):c.8386C>T (p.Gln2796Ter)

Gene: KMT2D (lysine methyltransferase 2D; minus strand). Cytogenetic location: 12q13.12.
Variant type: single nucleotide variant.
Coding change: c.8386C>T on transcript NM_003482.4 (MANE Select); coding-DNA position 8386, C replaced by T.
Protein change: p.Gln2796Ter; replaces glutamine 2796 with a stop codon.
Molecular consequence: nonsense.
Genome position (GRCh38, 1-based): chr12:49,038,970, G>A on the plus strand (C>T on the coding strand, the complement: KMT2D is on the minus strand). VCF-style: chr12-49038970-G-A. GRCh37 (hg19) VCF-style: chr12-49432753-G-A.
Other names: short protein forms Q2796*.
Identifiers: ClinVar variation 954977 (VCV000954977.7), dbSNP rs1555191210, ClinGen allele CA384742434.